The following is an entry in ClinVar:

ClinVar aggregate classification (germline): Likely pathogenic (1 of 4 stars; one submission).

Conditions:
Distal myopathy with posterior leg and anterior hand involvement. Also called: WILLIAMS DISTAL MYOPATHY. Identifiers: Orphanet 63273, MedGen C3279722, MONDO:0013550, OMIM 614065.
Hypertrophic cardiomyopathy 26. Also called: Cardiomyopathy, familial hypertrophic, 26. Identifiers: Orphanet 75249, MedGen C4310749, MONDO:0014883, OMIM 617047.
Myofibrillar myopathy 5. Also called: Filaminopathy (type); FILAMINOPATHY, AUTOSOMAL DOMINANT. Identifiers: Orphanet 171445, MedGen C1836050, MONDO:0012289, OMIM 609524.

Submission:

Labcorp Genetics (formerly Invitae), Labcorp
Classification: Likely pathogenic for Distal myopathy with posterior leg and anterior hand involvement; Myofibrillar myopathy 5; Hypertrophic cardiomyopathy 26. Last evaluated: 2024-05-01. Review status: criteria provided, single submitter. Criteria: Invitae Variant Classification Sherloc (09022015). Collection method: clinical testing. Allele origin: germline.
Comment: This sequence change affects a donor splice site in intron 14 of the FLNC gene. It is expected to disrupt RNA splicing. Variants that disrupt the donor or acceptor splice site typically lead to a loss of protein function (PMID: 16199547), and loss-of-function variants in FLNC are known to be pathogenic (PMID: 27908349). This variant is not present in population databases (gnomAD no frequency). This variant has not been reported in the literature in individuals affected with FLNC-related conditions. Algorithms developed to predict the effect of sequence changes on RNA splicing suggest that this variant may disrupt the consensus splice site. In summary, the currently available evidence indicates that the variant is pathogenic, but additional data are needed to prove that conclusively. Therefore, this variant has been classified as Likely Pathogenic.

Literature cited by the submitters: PubMed 16199547; PubMed 27908349.

NM_001458.5(FLNC):c.2265+2T>C

Gene: FLNC (filamin C; plus strand). Cytogenetic location: 7q32.1.
Variant type: single nucleotide variant.
Coding change: c.2265+2T>C on transcript NM_001458.5 (MANE Select); the canonical splice donor site of the intron after coding-DNA position 2265, T replaced by C.
Molecular consequence: splice donor variant.
Genome position (GRCh38, 1-based): chr7:128,842,376, T>C. VCF-style: chr7-128842376-T-C. GRCh37 (hg19) VCF-style: chr7-128482430-T-C.
Other names: c.2265+2T>C (NM_001127487.2).
Identifiers: ClinVar variation 3756141 (VCV003756141.2).